The following is an entry in ClinVar:

NC_000002.12:g.121530961C>A

Genes: CLASP1 (cytoplasmic linker associated protein 1; minus strand), CLASP1-AS1 (CLASP1 antisense RNA 1; plus strand), RNU4ATAC (RNA, U4atac small nuclear; plus strand). Cytogenetic location: 2q14.2.
Variant type: single nucleotide variant.
Molecular consequence: intron variant (on NM_001395891.1).
Genome position: GRCh38 VCF-style: chr2-121530961-C-A. GRCh37 (hg19) VCF-style: chr2-122288537-C-A.
Other names: c.196-636G>T (NM_001142274.2, NM_015282.3, NM_001378003.1 and 5 more transcripts).
Identifiers: ClinVar variation 1975828 (VCV001975828.4), dbSNP rs757387857, ClinGen allele CA428888078.
Genomic context (GRCh38, chr2:121,530,961, plus strand): 5'-GCGCTACTGTCCAATGAGCGCATAGTGAGGGCAGTACTGCTAACGCCTGAACAACACACC[C>A]GCATCAACTAGAGCTTTTGCTTTATTTTGGTGCAATTTTTGGAAAAATGAAAACCTGTTT-3'

ClinVar aggregate classification (germline): Uncertain significance (1 of 4 stars; one submission).

gnomAD v4.1: 3 of 700,390 alleles (0.00043%); highest among the groups gnomAD compares: Middle Eastern, 0.037%; no homozygotes.

Submission:

Labcorp Genetics (formerly Invitae), Labcorp
Classification: Uncertain significance. Last evaluated: 2022-04-09. Review status: criteria provided, single submitter. Criteria: Invitae Variant Classification Sherloc (09022015). Collection method: clinical testing. Allele origin: germline.
Comment: This variant is present in population databases (no rsID available, gnomAD 0.004%). This variant occurs in the RNU4ATAC gene, which encodes an RNA molecule that does not result in a protein product. This variant has not been reported in the literature in individuals affected with RNU4ATAC-related conditions. In summary, the available evidence is currently insufficient to determine the role of this variant in disease. Therefore, it has been classified as a Variant of Uncertain Significance. Experimental studies and prediction algorithms are not available or were not evaluated, and the functional significance of this variant is currently unknown.